The following is an entry in ClinVar:

NM_001252024.2(TRPM1):c.68T>C (p.Met23Thr)

Gene: TRPM1 (transient receptor potential cation channel subfamily M member 1; minus strand). Cytogenetic location: 15q13.3.
Variant type: single nucleotide variant.
Coding change: c.68T>C on transcript NM_001252024.2 (MANE Select); coding-DNA position 68, T replaced by C.
Protein change: p.Met23Thr; replaces methionine 23 with threonine.
Molecular consequence: missense variant. On other transcripts: initiator codon variant (2).
Genome position (GRCh38, 1-based): chr15:31,076,920, A>G on the plus strand (T>C on the coding strand, the complement: TRPM1 is on the minus strand). VCF-style: chr15-31076920-A-G. GRCh37 (hg19) VCF-style: chr15-31369123-A-G.
Other names: c.119T>C, p.Met40Thr (NM_001252020.2); c.2T>C, p.Met1Thr (NM_001252030.2, NM_002420.6); short protein forms M1T, M23T, M40T.
Identifiers: ClinVar variation 315540 (VCV000315540.21), dbSNP rs4779816, ClinGen allele CA7453130.

ClinVar aggregate classification (germline): Benign. Review status: criteria provided, multiple submitters, no conflicts (2 of 4 stars). 6 submissions from 6 submitters: Benign (6). Last evaluated 2026-02-04.

Conditions:
Congenital stationary night blindness 1C. Also called: Night blindness, congenital stationary (complete), 1C, autosomal recessive. Identifiers: Orphanet 215, MedGen C2750747, MONDO:0013183, OMIM 613216.

Allele frequency attached by ClinVar (database versions not stated): ESP Exome Variant Server 0.82953; ExAC 0.84465; gnomAD exomes 0.84815; gnomAD 0.85041 and 0.85185; TOPMed 0.85759; 1000 Genomes Project 30x 0.89413; 1000 Genomes Project 0.89437.
gnomAD v4.1: 1,319,747 of 1,606,726 alleles (82%); highest among the groups gnomAD compares: East Asian, 97%; 544,125 homozygotes.

Submissions (6):

Labcorp Genetics (formerly Invitae), Labcorp
Classification: Benign. Last evaluated: 2026-02-04. Review status: criteria provided, single submitter. Criteria: Invitae Variant Classification Sherloc (09022015). Collection method: clinical testing. Allele origin: germline.

Blueprint Genetics
Classification: Benign. Last evaluated: 2024-11-28. Review status: criteria provided, single submitter. Criteria: ACMG Guidelines, 2015. Collection method: clinical testing. Allele origin: germline.

Genome-Nilou Lab
Classification: Benign for Congenital stationary night blindness 1C. Last evaluated: 2021-09-10. Review status: criteria provided, single submitter. Criteria: ACMG Guidelines, 2015. Collection method: clinical testing. Allele origin: germline. Affected: no.

Illumina Laboratory Services, Illumina
Classification: Benign for Congenital stationary night blindness 1C. Last evaluated: 2018-01-13. Review status: criteria provided, single submitter. Criteria: ICSL Variant Classification Criteria 13 December 2019. Collection method: clinical testing. Allele origin: germline.
Comment: This variant was observed in the ICSL laboratory as part of a predisposition screen in an ostensibly healthy population. It had not been previously curated by ICSL or reported in the Human Gene Mutation Database (HGMD: prior to June 1st, 2018), and was therefore a candidate for classification through an automated scoring system. Utilizing variant allele frequency, disease prevalence and penetrance estimates, and inheritance mode, an automated score was calculated to assess if this variant is too frequent to cause the disease. Based on the score and internal cut-off values, a variant classified as benign is not then subjected to further curation. The score for this variant resulted in a classification of benign for this disease.

GeneDx
Classification: Benign. Last evaluated: 2015-03-03. Review status: criteria provided, single submitter. Criteria: GeneDx Variant Classification Process June 2021. Collection method: clinical testing. Allele origin: germline. Affected: yes.

Breakthrough Genomics
Classification: Benign. Review status: criteria provided, single submitter. Criteria: ACMG Guidelines, 2015. Collection method: not provided. Allele origin: germline. Inheritance: Unknown mechanism. Affected: yes.